The following is an entry in ClinVar:

ClinVar aggregate classification (germline): Uncertain significance (1 of 4 stars; one submission).

Submission:

GeneDx
Classification: Uncertain significance. Last evaluated: 2022-01-07. Review status: criteria provided, single submitter. Criteria: GeneDx Variant Classification Process June 2021. Collection method: clinical testing. Allele origin: germline. Affected: yes.
Comment: Not observed at significant frequency in large population cohorts (gnomAD); In silico analysis supports that this missense variant has a deleterious effect on protein structure/function; Has not been previously published as pathogenic or benign to our knowledge

NM_024665.7(TBL1XR1):c.328G>C (p.Ala110Pro)

Gene: TBL1XR1 (TBL1X/Y related 1; minus strand). Cytogenetic location: 3q26.32.
Variant type: single nucleotide variant.
Coding change: c.328G>C on transcript NM_024665.7 (MANE Select); coding-DNA position 328, G replaced by C.
Protein change: p.Ala110Pro; replaces alanine 110 with proline.
Molecular consequence: missense variant.
Genome position (GRCh38, 1-based): chr3:177,051,603, C>G on the plus strand (G>C on the coding strand, the complement: TBL1XR1 is on the minus strand). VCF-style: chr3-177051603-C-G. GRCh37 (hg19) VCF-style: chr3-176769391-C-G.
Other names: c.328G>C, p.Ala110Pro (NM_001321193.3, NM_001321194.3, NM_001374327.1 and 2 more transcripts); c.67G>C, p.Ala23Pro (NM_001321195.3, NM_001374330.1); short protein forms A110P, A23P.
Identifiers: ClinVar variation 1695586 (VCV001695586.2), dbSNP rs2108496899, ClinGen allele CA355553238.